The following is an entry in ClinVar:

NM_004177.5(STX3):c.646A>G (p.Met216Val)

Gene: STX3 (syntaxin 3; plus strand). Cytogenetic location: 11q12.1.
Variant type: single nucleotide variant.
Coding change: c.646A>G on transcript NM_004177.5 (MANE Select); coding-DNA position 646, A replaced by G.
Protein change: p.Met216Val; replaces methionine 216 with valine.
Molecular consequence: missense variant.
Genome position (GRCh38, 1-based): chr11:59,793,485, A>G. VCF-style: chr11-59793485-A-G. GRCh37 (hg19) VCF-style: chr11-59560958-A-G.
Other names: c.646A>G, p.Met216Val (NM_001178040.3); short protein forms M216V.
Identifiers: ClinVar variation 1463687 (VCV001463687.8), dbSNP rs1449784829, ClinGen allele CA380799842.

ClinVar aggregate classification (germline): Uncertain significance (1 of 4 stars; one submission).

Allele frequency attached by ClinVar (database versions not stated): gnomAD exomes below 0.00001; TOPMed 0.00002; gnomAD 0.00003.
gnomAD v4.1: 5 of 1,613,938 alleles (0.00031%); highest among the groups gnomAD compares: African/African-American, 0.0067%; no homozygotes.

Submission:

Labcorp Genetics (formerly Invitae), Labcorp
Classification: Uncertain significance. Last evaluated: 2022-02-06. Review status: criteria provided, single submitter. Criteria: Invitae Variant Classification Sherloc (09022015). Collection method: clinical testing. Allele origin: germline.
Comment: This sequence change replaces methionine, which is neutral and non-polar, with valine, which is neutral and non-polar, at codon 216 of the STX3 protein (p.Met216Val). The frequency data for this variant in the population databases is considered unreliable, as metrics indicate poor data quality at this position in the gnomAD database. This variant has not been reported in the literature in individuals affected with STX3-related conditions. Algorithms developed to predict the effect of missense changes on protein structure and function output the following: SIFT: "Tolerated"; PolyPhen-2: "Benign"; Align-GVGD: "Class C0". The valine amino acid residue is found in multiple mammalian species, which suggests that this missense change does not adversely affect protein function. In summary, the available evidence is currently insufficient to determine the role of this variant in disease. Therefore, it has been classified as a Variant of Uncertain Significance.